The following is an entry in ClinVar:

ClinVar aggregate classification (germline): Uncertain significance (1 of 4 stars; one submission).

Submission:

GeneDx
Classification: Uncertain significance. Last evaluated: 2026-03-24. Review status: criteria provided, single submitter. Criteria: GeneDx Variant Classification Process June 2021. Collection method: clinical testing. Allele origin: germline.
Comment: Not observed at significant frequency in large population cohorts (gnomAD); Has not been previously published as pathogenic or benign to our knowledge; In silico analysis does not support a benign or deleterious effect of this variant on protein structure/function

NM_019066.5(MAGEL2):c.740T>A (p.Val247Asp)

Gene: MAGEL2 (MAGE family member L2; minus strand). Cytogenetic location: 15q11.2.
Variant type: single nucleotide variant.
Coding change: c.740T>A on transcript NM_019066.5 (MANE Select); coding-DNA position 740, T replaced by A.
Protein change: p.Val247Asp; replaces valine 247 with aspartic acid.
Molecular consequence: missense variant.
Genome position (GRCh38, 1-based): chr15:23,647,003, A>T on the plus strand (T>A on the coding strand, the complement: MAGEL2 is on the minus strand). VCF-style: chr15-23647003-A-T. GRCh37 (hg19) VCF-style: chr15-23892150-A-T.
Other names: short protein forms V247D.
Identifiers: ClinVar variation 5016953 (VCV005016953.1).